The following is an entry in ClinVar:

ClinVar aggregate classification (germline): Uncertain significance. Review status: criteria provided, multiple submitters, no conflicts (2 of 4 stars). 5 submissions from 5 submitters: Uncertain significance (3). 2 of the submissions do not count toward it. Last evaluated 2026-05-05.

Conditions:
Fanconi anemia complementation group A (FANCA). Also called: Fanconi anemia, group A; FANCA-Related Fanconi Anemia. Identifiers: Orphanet 84, MedGen C3469521, MONDO:0009215, OMIM 227650.
Fanconi anemia (FA). Also called: Fanconi's anemia. Identifiers: Orphanet 84, MedGen C0015625, MeSH D005199, MONDO:0019391.

Allele frequency attached by ClinVar (database versions not stated): TOPMed below 0.00001; gnomAD exomes 0.00001.
gnomAD v4.1: 4 of 1,614,062 alleles (0.00025%); highest among the groups gnomAD compares: Non-Finnish European, 0.00034%; no homozygotes.

Submissions (5):

Myriad Genetics, Inc.
Classification: Uncertain significance for Fanconi anemia complementation group A. Last evaluated: 2026-05-05. Review status: criteria provided, single submitter. Criteria: Myriad Autosomal Dominant, Autosomal Recessive and X-Linked Classification Criteria (2023). Collection method: clinical testing. Allele origin: unknown.
Comment: NM_000135.2(FANCA):c.3266T>G(V1089G) is a missense variant classified as a variant of uncertain significance in the context of Fanconi anemia complementation group A. V1089G has not been observed in cases with relevant disease. Relevant functional assessments of this variant are not available in the literature. V1089G has not been observed in referenced population frequency databases. In summary, there is insufficient evidence to classify NM_000135.2(FANCA):c.3266T>G(V1089G) as pathogenic or benign. Please note: this variant was assessed in the context of healthy population screening.

Fulgent Genetics
Classification: Uncertain significance for Fanconi anemia complementation group A. Last evaluated: 2024-02-19. Review status: criteria provided, single submitter. Criteria: ACMG Guidelines, 2015. Collection method: clinical testing. Allele origin: germline.

Labcorp Genetics (formerly Invitae), Labcorp
Classification: Uncertain significance for Fanconi anemia. Last evaluated: 2019-07-08. Review status: criteria provided, single submitter. Criteria: Invitae Variant Classification Sherloc (09022015). Collection method: clinical testing. Allele origin: germline.
Comment: This sequence change replaces valine with glycine at codon 1089 of the FANCA protein (p.Val1089Gly). The valine residue is moderately conserved and there is a moderate physicochemical difference between valine and glycine. This variant is not present in population databases (ExAC no frequency). This variant has been observed in individual(s) with Fanconi Anemia (Invitae). In at least one individual the data is consistent with the variant being in trans (on the opposite chromosome) from a pathogenic variant. Algorithms developed to predict the effect of missense changes on protein structure and function are either unavailable or do not agree on the potential impact of this missense change (SIFT: "Deleterious"; PolyPhen-2: "Benign"; Align-GVGD: "Class C0"). In summary, the available evidence is currently insufficient to determine the role of this variant in disease. Therefore, it has been classified as a Variant of Uncertain Significance.

Natera, Inc.
Classification: Uncertain significance for Fanconi anemia. Last evaluated: 2021-01-25. Review status: no assertion criteria provided. Collection method: clinical testing. Allele origin: germline. Not counted in ClinVar's aggregate classification.

Leiden Open Variation Database
Classification: Pathogenic for Fanconi anemia complementation group A. Last evaluated: 2020-02-28. Review status: no assertion criteria provided. Collection method: curation. Allele origin: germline. Affected: yes. Not counted in ClinVar's aggregate classification.
Comment: Curator: Arleen D. Auerbach. Submitter to LOVD: Arleen D. Auerbach.

NM_000135.4(FANCA):c.3266T>G (p.Val1089Gly)

Gene: FANCA (FA complementation group A; minus strand). Cytogenetic location: 16q24.3.
Variant type: single nucleotide variant.
Coding change: c.3266T>G on transcript NM_000135.4 (MANE Select); coding-DNA position 3266, T replaced by G.
Protein change: p.Val1089Gly; replaces valine 1089 with glycine.
Molecular consequence: missense variant.
Genome position (GRCh38, 1-based): chr16:89,748,741, A>C on the plus strand (T>G on the coding strand, the complement: FANCA is on the minus strand). VCF-style: chr16-89748741-A-C. GRCh37 (hg19) VCF-style: chr16-89815149-A-C.
Other names: c.3266T>G, p.Val1089Gly (NM_001286167.3); short protein forms V1089G.
Identifiers: ClinVar variation 950040 (VCV000950040.17), dbSNP rs2038476999, ClinGen allele CA397486362.
Genomic context (GRCh38, chr16:89,748,741, plus strand): 5'-AAGAACTGCTCGCATCTGGCAGTGATGGGCTGTTCTGCCTGGAAGCTGCTGCCGCAGAGG[A>C]CAGACGAAGGCAGGCGGAGGAGGATCCTGGAAAGAAGGGGCTGTATTGGTGGCGACAGCA-3'
Protein context (NP_000126.2, residues 1079-1099): KRILLRLPSS[Val1089Gly]LCGSSFQAEQ